The following is an entry in ClinVar:

ClinVar aggregate classification (germline): Uncertain significance. Review status: criteria provided, multiple submitters, no conflicts (2 of 4 stars). 3 submissions from 3 submitters: Uncertain significance (3). Last evaluated 2025-11-06.

Conditions:
Hereditary cancer-predisposing syndrome. Also called: Hereditary Cancer Syndrome; Hereditary neoplastic syndrome; Tumor predisposition; Neoplastic Syndromes, Hereditary. Identifiers: Orphanet 140162, MedGen C0027672, MeSH D009386, MONDO:0015356.
Cardiovascular phenotype. Identifiers: MedGen CN230736.

Allele frequency attached by ClinVar (database versions not stated): TOPMed below 0.00001; gnomAD 0.00001.

Submissions (3):

Labcorp Genetics (formerly Invitae), Labcorp
Classification: Uncertain significance. Last evaluated: 2025-11-06. Review status: criteria provided, single submitter. Criteria: Invitae Variant Classification Sherloc (09022015). Collection method: clinical testing. Allele origin: germline.
Comment: This sequence change replaces histidine, which is basic and polar, with proline, which is neutral and non-polar, at codon 798 of the LZTR1 protein (p.His798Pro). This variant is not present in population databases (gnomAD no frequency). This variant has not been reported in the literature in individuals affected with LZTR1-related conditions. ClinVar contains an entry for this variant (Variation ID: 1790582). Invitae Evidence Modeling of protein sequence and biophysical properties (such as structural, functional, and spatial information, amino acid conservation, physicochemical variation, residue mobility, and thermodynamic stability) indicates that this missense variant is not expected to disrupt LZTR1 protein function with a negative predictive value of 80%. In summary, the available evidence is currently insufficient to determine the role of this variant in disease. Therefore, it has been classified as a Variant of Uncertain Significance.

GeneDx
Classification: Uncertain significance. Last evaluated: 2023-01-26. Review status: criteria provided, single submitter. Criteria: GeneDx Variant Classification Process June 2021. Collection method: clinical testing. Allele origin: germline. Affected: yes.
Comment: Not observed in large population cohorts (gnomAD); In silico analysis supports that this missense variant has a deleterious effect on protein structure/function; Has not been previously published as pathogenic or benign to our knowledge

Ambry Genetics
Classification: Uncertain significance for Cardiovascular phenotype; Hereditary cancer-predisposing syndrome. Last evaluated: 2020-09-22. Review status: criteria provided, single submitter. Criteria: Ambry Variant Classification Scheme 2023. Collection method: clinical testing. Allele origin: germline.
Comment: The p.H798P variant (also known as c.2393A>C), located in coding exon 20 of the LZTR1 gene, results from an A to C substitution at nucleotide position 2393. The histidine at codon 798 is replaced by proline, an amino acid with similar properties. This amino acid position is highly conserved in available vertebrate species. In addition, this alteration is predicted to be deleterious by in silico analysis. Since supporting evidence is limited at this time, the clinical significance of this alteration remains unclear.

NM_006767.4(LZTR1):c.2393A>C (p.His798Pro)

Gene: LZTR1 (leucine zipper like post translational regulator 1; plus strand). Cytogenetic location: 22q11.21.
Variant type: single nucleotide variant.
Coding change: c.2393A>C on transcript NM_006767.4 (MANE Select); coding-DNA position 2393, A replaced by C.
Protein change: p.His798Pro; replaces histidine 798 with proline.
Molecular consequence: missense variant.
Genome position (GRCh38, 1-based): chr22:20,996,953, A>C. VCF-style: chr22-20996953-A-C. GRCh37 (hg19) VCF-style: chr22-21351242-A-C.
Other names: short protein forms H798P.
Identifiers: ClinVar variation 1790582 (VCV001790582.8), dbSNP rs1353932241, ClinGen allele CA410781207.